The following is an entry in ClinVar:

NM_002204.4(ITGA3):c.2943G>T (p.Glu981Asp)

Gene: ITGA3 (integrin subunit alpha 3; plus strand). Cytogenetic location: 17q21.33.
Variant type: single nucleotide variant.
Coding change: c.2943G>T on transcript NM_002204.4 (MANE Select); coding-DNA position 2943, G replaced by T.
Protein change: p.Glu981Asp; replaces glutamic acid 981 with aspartic acid.
Molecular consequence: missense variant.
Genome position (GRCh38, 1-based): chr17:50,087,767, G>T. VCF-style: chr17-50087767-G-T. GRCh37 (hg19) VCF-style: chr17-48165131-G-T.
Other names: NM_005501.2:c.2943G>T; p.Glu981Asp; short protein forms E981D.
Identifiers: ClinVar variation 2404954 (VCV002404954.3), dbSNP rs548104305, ClinGen allele CA8642110.

ClinVar aggregate classification (germline): Conflicting classifications of pathogenicity. Review status: criteria provided, conflicting classifications (1 of 4 stars). 2 submissions from 2 submitters: Uncertain significance (1); Likely benign (1). Last evaluated 2025-10-12.

Conditions:
Inborn genetic diseases. Identifiers: MedGen C0950123, MeSH D030342.

Allele frequency attached by ClinVar (database versions not stated): ExAC 0.00001; gnomAD 0.00001; 1000 Genomes Project 30x 0.00016; 1000 Genomes Project 0.00020.
gnomAD v4.1: 8 of 1,613,350 alleles (0.0005%); highest among the groups gnomAD compares: Admixed American, 0.01%; no homozygotes.

Submissions (2):

Mayo Clinic Laboratories, Mayo Clinic
Classification: Uncertain significance. Last evaluated: 2025-10-12. Review status: criteria provided, single submitter. Criteria: ACMG Guidelines, 2015. Collection method: clinical testing. Allele origin: germline. Observed: 1 variant allele.
Comment: BP4_moderate

Ambry Genetics
Classification: Likely benign for Inborn genetic diseases. Last evaluated: 2022-07-08. Review status: criteria provided, single submitter. Criteria: Ambry Variant Classification Scheme 2023. Collection method: clinical testing. Allele origin: germline.